The following is an entry in ClinVar:

ClinVar aggregate classification (germline): Uncertain significance. Review status: criteria provided, multiple submitters, no conflicts (2 of 4 stars). 3 submissions from 3 submitters: Uncertain significance (2). 1 of the submissions does not count toward it. Last evaluated 2025-10-16.

Conditions:
Hereditary cancer-predisposing syndrome. Also called: Hereditary neoplastic syndrome; Hereditary Cancer Syndrome; Neoplastic Syndromes, Hereditary; Tumor predisposition. Identifiers: Orphanet 140162, MedGen C0027672, MeSH D009386, MONDO:0015356.
Bloom syndrome (BLM). Also called: Bloom-Torre-Machacek syndrome. Identifiers: Orphanet 125, MedGen C0005859, MONDO:0008876, OMIM 210900.

Allele frequency attached by ClinVar (database versions not stated): gnomAD exomes below 0.00001; ExAC 0.00001; TOPMed 0.00001.
gnomAD v4.1: 3 of 1,609,120 alleles (0.00019%); highest among the groups gnomAD compares: South Asian, 0.0011%; no homozygotes.

Submissions (3):

Labcorp Genetics (formerly Invitae), Labcorp
Classification: Uncertain significance for Bloom syndrome. Last evaluated: 2025-10-16. Review status: criteria provided, single submitter. Criteria: Invitae Variant Classification Sherloc (09022015). Collection method: clinical testing. Allele origin: germline.
Comment: This sequence change replaces valine, which is neutral and non-polar, with glutamic acid, which is acidic and polar, at codon 1081 of the BLM protein (p.Val1081Glu). This variant is present in population databases (rs762716289, gnomAD 0.003%). This variant has not been reported in the literature in individuals affected with BLM-related conditions. ClinVar contains an entry for this variant (Variation ID: 236813). Invitae Evidence Modeling of protein sequence and biophysical properties (such as structural, functional, and spatial information, amino acid conservation, physicochemical variation, residue mobility, and thermodynamic stability) indicates that this missense variant is expected to disrupt BLM protein function with a positive predictive value of 80%. In summary, the available evidence is currently insufficient to determine the role of this variant in disease. Therefore, it has been classified as a Variant of Uncertain Significance.

Ambry Genetics
Classification: Uncertain significance for Hereditary cancer-predisposing syndrome. Last evaluated: 2021-12-18. Review status: criteria provided, single submitter. Criteria: Ambry Variant Classification Scheme 2023. Collection method: clinical testing. Allele origin: germline.
Comment: The p.V1081E variant (also known as c.3242T>A), located in coding exon 16 of the BLM gene, results from a T to A substitution at nucleotide position 3242. The valine at codon 1081 is replaced by glutamic acid, an amino acid with dissimilar properties. This amino acid position is conserved. In addition, this alteration is predicted to be deleterious by in silico analysis. Since supporting evidence is limited at this time, the clinical significance of this alteration remains unclear.

Counsyl
Classification: Uncertain significance for Bloom syndrome. Last evaluated: 2017-10-03. Review status: no assertion criteria provided. Collection method: clinical testing. Allele origin: unknown. Not counted in ClinVar's aggregate classification.

NM_000057.4(BLM):c.3242T>A (p.Val1081Glu)

Gene: BLM (BLM RecQ like helicase; plus strand). Cytogenetic location: 15q26.1.
Variant type: single nucleotide variant.
Coding change: c.3242T>A on transcript NM_000057.4 (MANE Select); coding-DNA position 3242, T replaced by A.
Protein change: p.Val1081Glu; replaces valine 1081 with glutamic acid.
Molecular consequence: missense variant.
Genome position (GRCh38, 1-based): chr15:90,798,221, T>A. VCF-style: chr15-90798221-T-A. GRCh37 (hg19) VCF-style: chr15-91341451-T-A.
Other names: c.3242T>A, p.Val1081Glu (NM_001287246.2, NM_001287247.2); c.2117T>A, p.Val706Glu (NM_001287248.2); short protein forms V1081E, V706E.
Identifiers: ClinVar variation 236813 (VCV000236813.9), dbSNP rs762716289, ClinGen allele CA7738974.